The following is an entry in ClinVar:

ClinVar aggregate classification (germline): Conflicting classifications of pathogenicity. Review status: criteria provided, conflicting classifications (1 of 4 stars). 2 submissions from 2 submitters: Uncertain significance (1); Likely benign (1). Last evaluated 2024-10-09.

Allele frequency attached by ClinVar (database versions not stated): gnomAD exomes below 0.00001; TOPMed below 0.00001; gnomAD 0.00001.
gnomAD v4.1: 3 of 1,610,662 alleles (0.00019%); highest among the groups gnomAD compares: Non-Finnish European, 0.00025%; no homozygotes.

Submissions (2):

Blueprint Genetics
Classification: Likely benign. Last evaluated: 2024-10-09. Review status: criteria provided, single submitter. Criteria: ACMG Guidelines, 2015. Collection method: clinical testing. Allele origin: germline.

Labcorp Genetics (formerly Invitae), Labcorp
Classification: Uncertain significance. Last evaluated: 2022-07-20. Review status: criteria provided, single submitter. Criteria: Invitae Variant Classification Sherloc (09022015). Collection method: clinical testing. Allele origin: germline.
Comment: This sequence change affects codon 265 of the SEMA4A mRNA. It is a 'silent' change, meaning that it does not change the encoded amino acid sequence of the SEMA4A protein. This variant is not present in population databases (gnomAD no frequency). This variant has not been reported in the literature in individuals affected with SEMA4A-related conditions. ClinVar contains an entry for this variant (Variation ID: 837600). Algorithms developed to predict the effect of sequence changes on RNA splicing suggest that this variant may create or strengthen a splice site. In summary, the available evidence is currently insufficient to determine the role of this variant in disease. Therefore, it has been classified as a Variant of Uncertain Significance.

NM_022367.4(SEMA4A):c.795G>A (p.Val265=)

Gene: SEMA4A (semaphorin 4A; plus strand). Cytogenetic location: 1q22.
Variant type: single nucleotide variant.
Coding change: c.795G>A on transcript NM_022367.4 (MANE Select); coding-DNA position 795, G replaced by A.
Protein change: p.Val265=; no amino-acid change (valine 265 retained).
Molecular consequence: synonymous variant.
Genome position (GRCh38, 1-based): chr1:156,161,014, G>A. VCF-style: chr1-156161014-G-A. GRCh37 (hg19) VCF-style: chr1-156130805-G-A.
Other names: c.795G>A, p.Val265= (NM_001193300.2, NM_001193301.2, NM_001370567.1); c.399G>A, p.Val133= (NM_001193302.2); c.498G>A, p.Val166= (NM_001370568.1); c.288G>A, p.Val96= (NM_001370569.1, NM_001370571.1).
Identifiers: ClinVar variation 837600 (VCV000837600.10), dbSNP rs1653560093, ClinGen allele CA421070108.
Genomic context (GRCh38, chr1:156,161,014, plus strand): 5'-CTTCTTCGAGGAGACAGCCAGCGAGTTTGACTTCTTTGAGAGGCTCCACACATCGCGGGT[G>A]GCTAGAGTCTGCAAGGTCCGCGGCCTGGGCGGGGGGCGGGGCTAACTGGAGGAGAACCAA-3'
Protein context (NP_071762.2, residues 255-275): DFFERLHTSR[Val265=]ARVCKNDVGG